The following is an entry in ClinVar:

NM_006941.4(SOX10):c.976G>A (p.Val326Met)

Genes: POLR2F (RNA polymerase II, I and III subunit F; plus strand), SOX10 (SRY-box transcription factor 10; minus strand). Cytogenetic location: 22q13.1.
Variant type: single nucleotide variant.
Coding change: c.976G>A on transcript NM_006941.4 (MANE Select); coding-DNA position 976, G replaced by A.
Protein change: p.Val326Met; replaces valine 326 with methionine.
Molecular consequence: missense variant. On other transcripts: intron variant (3).
Genome position (GRCh38, 1-based): chr22:37,973,920, C>T on the plus strand (G>A on the coding strand, the complement: SOX10 is on the minus strand). VCF-style: chr22-37973920-C-T. GRCh37 (hg19) VCF-style: chr22-38369927-C-T.
Other names: c.*38+1610C>T (NM_001363825.1); c.293+6750C>T (NM_001301130.2, NM_001301131.2); short protein forms V326M.
Identifiers: ClinVar variation 902433 (VCV000902433.9), dbSNP rs750224655, ClinGen allele CA10228557.

ClinVar aggregate classification (germline): Uncertain significance. Review status: criteria provided, multiple submitters, no conflicts (2 of 4 stars). 4 submissions from 3 submitters: Uncertain significance (4). Last evaluated 2024-07-27.

Conditions:
Waardenburg syndrome. Also called: Waardenburg's syndrome. Identifiers: Orphanet 3440, MedGen C3266898, MONDO:0018094.
PCWH syndrome. Also called: WAARDENBURG-SHAH SYNDROME, NEUROLOGIC VARIANT. Identifiers: Orphanet 163746, MedGen C1836727, MONDO:0012198, OMIM 609136.

Allele frequency attached by ClinVar (database versions not stated): gnomAD 0.00003 and 0.00004; gnomAD exomes 0.00004 and 0.00001; TOPMed 0.00003; ExAC 0.00002.
gnomAD v4.1: 21 of 1,609,956 alleles (0.0013%); highest among the groups gnomAD compares: East Asian, 0.016%; no homozygotes.

Submissions (4):

Labcorp Genetics (formerly Invitae), Labcorp
Classification: Uncertain significance. Last evaluated: 2024-07-27. Review status: criteria provided, single submitter. Criteria: Invitae Variant Classification Sherloc (09022015). Collection method: clinical testing. Allele origin: germline.
Comment: This sequence change replaces valine, which is neutral and non-polar, with methionine, which is neutral and non-polar, at codon 326 of the SOX10 protein (p.Val326Met). This variant is present in population databases (rs750224655, gnomAD 0.02%). This variant has not been reported in the literature in individuals affected with SOX10-related conditions. ClinVar contains an entry for this variant (Variation ID: 902433). Advanced modeling of protein sequence and biophysical properties (such as structural, functional, and spatial information, amino acid conservation, physicochemical variation, residue mobility, and thermodynamic stability) performed at Invitae indicates that this missense variant is not expected to disrupt SOX10 protein function with a negative predictive value of 80%. In summary, the available evidence is currently insufficient to determine the role of this variant in disease. Therefore, it has been classified as a Variant of Uncertain Significance.

GeneDx
Classification: Uncertain significance. Last evaluated: 2022-02-09. Review status: criteria provided, single submitter. Criteria: GeneDx Variant Classification Process June 2021. Collection method: clinical testing. Allele origin: germline. Affected: yes.
Comment: In silico analysis supports that this missense variant does not alter protein structure/function; Has not been previously published as pathogenic or benign to our knowledge

Illumina Laboratory Services, Illumina
Classification: Uncertain significance for PCWH syndrome. Last evaluated: 2018-01-22. Review status: criteria provided, single submitter. Criteria: ICSL Variant Classification Criteria 13 December 2019. Collection method: clinical testing. Allele origin: germline.

Illumina Laboratory Services, Illumina
Classification: Uncertain significance for Waardenburg syndrome. Last evaluated: 2018-01-22. Review status: criteria provided, single submitter. Criteria: ICSL Variant Classification Criteria 13 December 2019. Collection method: clinical testing. Allele origin: germline.